The following is an entry in ClinVar:

ClinVar aggregate classification (germline): Pathogenic/Likely pathogenic. Review status: criteria provided, multiple submitters, no conflicts (2 of 4 stars). 2 submissions from 2 submitters: Pathogenic (1); Likely pathogenic (1). Last evaluated 2024-03-01.

Conditions:
Centronuclear myopathy (CNM). Also called: Centronuclear myopathy, congenital; Myotubular myopathy. Identifiers: Orphanet 595, MedGen C0175709, MONDO:0018947. Inheritance: All.
Arthrogryposis multiplex congenita (AMC). Also called: Congenital multiple arthrogryposis; Fibrous ankylosis of multiple joints; Congenital arthromyodysplasia; Myodystrophia fetalis deformans; Otto syndrome; Rocher-Sheldon syndrome. Identifiers: Orphanet 1037, MedGen C5779613, MeSH D001176, MONDO:0015168, HP:0002804.
Fetal akinesia deformation sequence 1 (FADS1). Also called: Pena-Shokeir syndrome type I; Fetal akinesia sequence. Identifiers: Orphanet 994, MedGen C1276035, MONDO:0100101, OMIM 208150, HP:0001989.

Allele frequency attached by ClinVar (database versions not stated): gnomAD exomes below 0.00001.

Submissions (2):

Muscle and Diseases Team, Institut de Génétique et Biologie Moléculaire et Cellulaire
Classification: Likely pathogenic for Centronuclear myopathy. Last evaluated: 2024-03-01. Review status: criteria provided, single submitter. Criteria: ACMG Guidelines, 2015. Collection method: research. Allele origin: unknown. Affected: yes. Observed: 1 variant allele.
Comment: PVS1+PM2

Cirak Lab, University Hospital Cologne
Classification: Pathogenic for Arthrogryposis multiplex congenita; Fetal akinesia sequence. Last evaluated: 2019-06-28. Review status: criteria provided, single submitter. Criteria: ACMG Guidelines, 2015. Collection method: research. Allele origin: paternal. Affected: yes. Observed: 1 variant allele.

Literature cited by the submitters: DOI 10.1186/s13073-024-01353-0 (cited by Muscle and Diseases Team, Institut de Génétique et Biologie Moléculaire et Cellulaire); PubMed 28818389 (cited by Muscle and Diseases Team, Institut de Génétique et Biologie Moléculaire et Cellulaire); PubMed 31680123 (cited by Cirak Lab, University Hospital Cologne).

NM_000540.3(RYR1):c.2500_2501dup (p.Pro836fs)

Gene: RYR1 (ryanodine receptor 1; plus strand). Cytogenetic location: 19q13.2.
Variant type: Duplication.
Coding change: c.2500_2501dup on transcript NM_000540.3 (MANE Select); coding-DNA positions 2500 to 2501, 2 bases duplicated (CG; older notation c.2500_2501dupCG).
Protein change: p.Pro836fs; shifts the reading frame from proline 836.
Molecular consequence: frameshift variant.
Genome position (GRCh38, 1-based): chr19:38,460,514-38,460,515, CG duplicated. VCF-style (leftmost placement, unchanged base first): chr19-38460513-C-CCG. GRCh37 (hg19) VCF-style: chr19-38951153-C-CCG.
Other names: c.2500_2501dup, p.Pro836fs (NM_001042723.2); short protein forms P836fs.
Identifiers: ClinVar variation 692286 (VCV000692286.3), dbSNP rs1568454672, ClinGen allele CA633066475.